The following is an entry in ClinVar:

ClinVar aggregate classification (germline): Uncertain significance. Review status: criteria provided, multiple submitters, no conflicts (2 of 4 stars). 2 submissions from 2 submitters: Uncertain significance (2). Last evaluated 2024-12-23.

Conditions:
LMX1A-related disorder. Also called: LMX1A-related condition.

Allele frequency attached by ClinVar (database versions not stated): ExAC 0.00001; gnomAD exomes 0.00002; gnomAD 0.00003; TOPMed 0.00003.
gnomAD v4.1: 44 of 1,614,060 alleles (0.0027%); highest among the groups gnomAD compares: Non-Finnish European, 0.0034%; no homozygotes.

Submissions (2):

PreventionGenetics, part of Exact Sciences
Classification: Uncertain significance for LMX1A-related condition. Last evaluated: 2024-12-23. Review status: criteria provided, single submitter. Criteria: ACMG Guidelines, 2015. Collection method: clinical testing. Allele origin: germline.
Comment: The LMX1A c.1093G>A variant is predicted to result in the amino acid substitution p.Val365Met. To our knowledge, this variant has not been reported in the literature. This variant is reported in 0.0044% of alleles in individuals of European (Non-Finnish) descent in gnomAD. At this time, the clinical significance of this variant is uncertain due to the absence of conclusive functional and genetic evidence.

Ambry Genetics
Classification: Uncertain significance. Last evaluated: 2021-08-12. Review status: criteria provided, single submitter. Criteria: Ambry Variant Classification Scheme 2023. Collection method: clinical testing. Allele origin: germline.

NM_177398.4(LMX1A):c.1093G>A (p.Val365Met)

Gene: LMX1A (LIM homeobox transcription factor 1 alpha; minus strand). Cytogenetic location: 1q23.3.
Variant type: single nucleotide variant.
Coding change: c.1093G>A on transcript NM_177398.4 (MANE Select); coding-DNA position 1093, G replaced by A.
Protein change: p.Val365Met; replaces valine 365 with methionine.
Molecular consequence: missense variant.
Genome position (GRCh38, 1-based): chr1:165,203,936, C>T on the plus strand (G>A on the coding strand, the complement: LMX1A is on the minus strand). VCF-style: chr1-165203936-C-T. GRCh37 (hg19) VCF-style: chr1-165173173-C-T.
Other names: c.1093G>A, p.Val365Met (NM_001174069.2); c.1093G>A (NM_001174069.1); short protein forms V365M.
Identifiers: ClinVar variation 2221388 (VCV002221388.3), dbSNP rs751809203, ClinGen allele CA1219598.